The following is an entry in ClinVar:

ClinVar aggregate classification (germline): Uncertain significance (1 of 4 stars; one submission).

Conditions:
Dilated cardiomyopathy 1J (CMD1J). Also called: CARDIOMYOPATHY, DILATED, WITH SENSORINEURAL HEARING LOSS, AUTOSOMAL DOMINANT. Identifiers: Orphanet 217622, MedGen C1854368, MONDO:0011541, OMIM 605362.

Submission:

Labcorp Genetics (formerly Invitae), Labcorp
Classification: Uncertain significance for Dilated cardiomyopathy 1J. Last evaluated: 2025-06-11. Review status: criteria provided, single submitter. Criteria: Invitae Variant Classification Sherloc (09022015). Collection method: clinical testing. Allele origin: germline.
Comment: This sequence change replaces phenylalanine, which is neutral and non-polar, with serine, which is neutral and polar, at codon 592 of the EYA4 protein (p.Phe592Ser). This variant is not present in population databases (gnomAD no frequency). This variant has not been reported in the literature in individuals affected with EYA4-related conditions. Invitae Evidence Modeling of protein sequence and biophysical properties (such as structural, functional, and spatial information, amino acid conservation, physicochemical variation, residue mobility, and thermodynamic stability) indicates that this missense variant is expected to disrupt EYA4 protein function with a positive predictive value of 80%. In summary, the available evidence is currently insufficient to determine the role of this variant in disease. Therefore, it has been classified as a Variant of Uncertain Significance.

NM_004100.5(EYA4):c.1775T>C (p.Phe592Ser)

Genes: TARID (TCF21 antisense RNA inducing promoter demethylation; minus strand), EYA4 (EYA transcriptional coactivator and phosphatase 4; plus strand). Cytogenetic location: 6q23.2.
Variant type: single nucleotide variant.
Coding change: c.1775T>C on transcript NM_004100.5 (MANE Select); coding-DNA position 1775, T replaced by C.
Protein change: p.Phe592Ser; replaces phenylalanine 592 with serine.
Molecular consequence: missense variant. On other transcripts: intron variant (3).
Genome position (GRCh38, 1-based): chr6:133,525,190, T>C. VCF-style: chr6-133525190-T-C. GRCh37 (hg19) VCF-style: chr6-133846328-T-C.
Other names: c.1793T>C, p.Phe598Ser (NM_001301013.2); c.1631T>C, p.Phe544Ser (NM_001370459.1); c.1706T>C, p.Phe569Ser (NM_172103.4); c.1839+75T>C (NM_172105.4); c.1770+75T>C (NM_001370458.1); c.1677+75T>C (NM_001301012.2); short protein forms F544S, F569S, F598S, F592S.
Identifiers: ClinVar variation 4741523 (VCV004741523.1).